The following is an entry in ClinVar:

ClinVar aggregate classification (germline): Uncertain significance (1 of 4 stars; one submission).

gnomAD v4.1: 1 of 1,614,132 alleles (0.000062%); no homozygotes.

Submission:

Labcorp Genetics (formerly Invitae), Labcorp
Classification: Uncertain significance. Last evaluated: 2022-05-27. Review status: criteria provided, single submitter. Criteria: Invitae Variant Classification Sherloc (09022015). Collection method: clinical testing. Allele origin: germline.
Comment: This variant has not been reported in the literature in individuals affected with STIL-related conditions. In summary, the available evidence is currently insufficient to determine the role of this variant in disease. Therefore, it has been classified as a Variant of Uncertain Significance. Algorithms developed to predict the effect of missense changes on protein structure and function (SIFT, PolyPhen-2, Align-GVGD) all suggest that this variant is likely to be tolerated. This variant is not present in population databases (gnomAD no frequency). This sequence change replaces proline, which is neutral and non-polar, with alanine, which is neutral and non-polar, at codon 552 of the STIL protein (p.Pro552Ala).

NM_001048166.1(STIL):c.1654C>G (p.Pro552Ala)

Gene: STIL (STIL centriolar assembly protein; minus strand). Cytogenetic location: 1p33.
Variant type: single nucleotide variant.
Coding change: c.1654C>G on transcript NM_001048166.1 (MANE Select); coding-DNA position 1654, C replaced by G.
Protein change: p.Pro552Ala; replaces proline 552 with alanine.
Molecular consequence: missense variant.
Genome position (GRCh38, 1-based): chr1:47,280,804, G>C on the plus strand (C>G on the coding strand, the complement: STIL is on the minus strand). VCF-style: chr1-47280804-G-C. GRCh37 (hg19) VCF-style: chr1-47746476-G-C.
Other names: c.1654C>G, p.Pro552Ala (NM_001282936.1, NM_001282937.1, NM_003035.2); c.1513C>G, p.Pro505Ala (NM_001282938.1, NM_001282939.1, NM_001377417.1); short protein forms P552A, P505A.
Identifiers: ClinVar variation 2097353 (VCV002097353.4), dbSNP rs2524015093, ClinGen allele CA340247656.
Genomic context (GRCh38, chr1:47,280,804, plus strand): 5'-GTGGTTGGGACTGCGGGGCAAGAGAAGACTGCCTAGAATTAAGTGTGGAGGGTCTTATAG[G>C]ATACTCTTCGTTTTGTACATTTCCAGCAGAAACTGTTTGGAGCTTTTCAAATATATCATG-3'
Protein context (NP_001041631.1, residues 542-562): SAGNVQNEEY[Pro552Ala]IRPSTLNSRQ